The following is an entry in ClinVar:

ClinVar aggregate classification (germline): Uncertain significance. Review status: criteria provided, multiple submitters, no conflicts (2 of 4 stars). 2 submissions from 2 submitters: Uncertain significance (2). Last evaluated 2026-06-29.

Conditions:
Hypercholesterolemia, autosomal dominant, type B (FHCL2). Also called: Familial Hypercholesterolemia Type B; HYPERCHOLESTEROLEMIA, FAMILIAL, DUE TO LIGAND-DEFECTIVE APOLIPOPROTEIN B; Familial hypercholesterolemia 2; APOB-Related Familial Hypercholesterolemia, Autosomal Dominant; APOLIPOPROTEIN B-100, FAMILIAL DEFECTIVE; APOLIPOPROTEIN B-100, FAMILIAL LIGAND-DEFECTIVE. Identifiers: MedGen C1704417, MONDO:0007751, OMIM 144010.
Familial hypobetalipoproteinemia 1. Also called: Hypobetalipoproteinemia, normotriglyceridemic; Acanthocytosis with hypobetalipoproteinemia; APOB-Related Familial Hypobetalipoproteinemia. Identifiers: MedGen C4551990, MONDO:0014252, OMIM 615558.
Cardiovascular phenotype. Identifiers: MedGen CN230736.

Submissions (2):

Ambry Genetics
Classification: Uncertain significance for Cardiovascular phenotype. Last evaluated: 2026-06-29. Review status: criteria provided, single submitter. Criteria: Ambry Variant Classification Scheme 2023. Collection method: clinical testing. Allele origin: germline.

Labcorp Genetics (formerly Invitae), Labcorp
Classification: Uncertain significance for Familial hypobetalipoproteinemia 1; Hypercholesterolemia, autosomal dominant, type B. Last evaluated: 2018-03-21. Review status: criteria provided, single submitter. Criteria: Invitae Variant Classification Sherloc (09022015). Collection method: clinical testing. Allele origin: germline.
Comment: In summary, the available evidence is currently insufficient to determine the role of this variant in disease. Therefore, it has been classified as a Variant of Uncertain Significance. Algorithms developed to predict the effect of missense changes on protein structure and function do not agree on the potential impact of this missense change (SIFT: "Deleterious"; PolyPhen-2: "Probably Damaging"; Align-GVGD: "Class C0"). This variant has not been reported in the literature in individuals with APOB-related disease. This variant is not present in population databases (ExAC no frequency). This sequence change replaces lysine with methionine at codon 3067 of the APOB protein (p.Lys3067Met). The lysine residue is highly conserved and there is a moderate physicochemical difference between lysine and methionine.

NM_000384.3(APOB):c.9200A>T (p.Lys3067Met)

Gene: APOB (apolipoprotein B; minus strand). Cytogenetic location: 2p24.1.
Variant type: single nucleotide variant.
Coding change: c.9200A>T on transcript NM_000384.3 (MANE Select); coding-DNA position 9200, A replaced by T.
Protein change: p.Lys3067Met; replaces lysine 3067 with methionine.
Molecular consequence: missense variant.
Genome position (GRCh38, 1-based): chr2:21,007,668, T>A on the plus strand (A>T on the coding strand, the complement: APOB is on the minus strand). VCF-style: chr2-21007668-T-A. GRCh37 (hg19) VCF-style: chr2-21230540-T-A.
Other names: short protein forms K3067M.
Identifiers: ClinVar variation 574576 (VCV000574576.12), dbSNP rs1558562275, ClinGen allele CA345990833.